The following is an entry in ClinVar:

ClinVar aggregate classification (germline): Uncertain significance. Review status: criteria provided, multiple submitters, no conflicts (2 of 4 stars). 2 submissions from 2 submitters: Uncertain significance (2). Last evaluated 2024-07-31.

Conditions:
Inborn genetic diseases. Identifiers: MedGen C0950123, MeSH D030342.

Allele frequency attached by ClinVar (database versions not stated): gnomAD exomes 0.00001.
gnomAD v4.1: 3 of 1,614,196 alleles (0.00019%); highest among the groups gnomAD compares: Non-Finnish European, 0.00025%; no homozygotes.

Submissions (2):

Ambry Genetics
Classification: Uncertain significance for Inborn genetic diseases. Last evaluated: 2024-07-31. Review status: criteria provided, single submitter. Criteria: Ambry Variant Classification Scheme 2023. Collection method: clinical testing. Allele origin: germline.

Labcorp Genetics (formerly Invitae), Labcorp
Classification: Uncertain significance. Last evaluated: 2022-09-25. Review status: criteria provided, single submitter. Criteria: Invitae Variant Classification Sherloc (09022015). Collection method: clinical testing. Allele origin: germline.
Comment: This sequence change replaces proline, which is neutral and non-polar, with leucine, which is neutral and non-polar, at codon 796 of the CSF2RB protein (p.Pro796Leu). This variant is not present in population databases (gnomAD no frequency). This variant has not been reported in the literature in individuals affected with CSF2RB-related conditions. Advanced modeling of protein sequence and biophysical properties (such as structural, functional, and spatial information, amino acid conservation, physicochemical variation, residue mobility, and thermodynamic stability) performed at Invitae indicates that this missense variant is not expected to disrupt CSF2RB protein function. In summary, the available evidence is currently insufficient to determine the role of this variant in disease. Therefore, it has been classified as a Variant of Uncertain Significance.

NM_000395.3(CSF2RB):c.2387C>T (p.Pro796Leu)

Gene: CSF2RB (colony stimulating factor 2 receptor subunit beta; plus strand). Cytogenetic location: 22q12.3.
Variant type: single nucleotide variant.
Coding change: c.2387C>T on transcript NM_000395.3 (MANE Select); coding-DNA position 2387, C replaced by T.
Protein change: p.Pro796Leu; replaces proline 796 with leucine.
Molecular consequence: missense variant.
Genome position (GRCh38, 1-based): chr22:36,938,195, C>T. VCF-style: chr22-36938195-C-T. GRCh37 (hg19) VCF-style: chr22-37334237-C-T.
Other names: c.2387C>T (NM_000395.2); c.2405C>T, p.Pro802Leu (NM_001410827.1); short protein forms P802L, P796L.
Identifiers: ClinVar variation 2123322 (VCV002123322.5), dbSNP rs2518011354, ClinGen allele CA411411400.